The following is an entry in ClinVar:

ClinVar aggregate classification (germline): Conflicting classifications of pathogenicity. Review status: criteria provided, conflicting classifications (1 of 4 stars). 4 submissions from 4 submitters: Uncertain significance (3); Likely benign (1). Last evaluated 2025-08-30.

Conditions:
BAP1-related tumor predisposition syndrome (TPDS1). Also called: BAP1 tumor predisposition syndrome; COMMON Syndrome; TUMOR PREDISPOSITION SYNDROME 1; Tumor susceptibility linked to germline BAP1 mutations. Identifiers: Orphanet 289539, MedGen C3280492, MONDO:0013692, OMIM 614327.
Hereditary cancer-predisposing syndrome. Also called: Neoplastic Syndromes, Hereditary; Tumor predisposition; Hereditary Cancer Syndrome; Hereditary neoplastic syndrome. Identifiers: Orphanet 140162, MedGen C0027672, MeSH D009386, MONDO:0015356.

Submissions (4):

Labcorp Genetics (formerly Invitae), Labcorp
Classification: Uncertain significance for BAP1-related tumor predisposition syndrome. Last evaluated: 2025-08-30. Review status: criteria provided, single submitter. Criteria: Invitae Variant Classification Sherloc (09022015). Collection method: clinical testing. Allele origin: germline.
Comment: This variant, c.1214_1225del, results in the deletion of 4 amino acid(s) of the BAP1 protein (p.Glu405_Asp408del), but otherwise preserves the integrity of the reading frame. This variant is not present in population databases (gnomAD no frequency). This variant has not been reported in the literature in individuals affected with BAP1-related conditions. ClinVar contains an entry for this variant (Variation ID: 472662). Experimental studies and prediction algorithms are not available or were not evaluated, and the functional significance of this variant is currently unknown. In summary, the available evidence is currently insufficient to determine the role of this variant in disease. Therefore, it has been classified as a Variant of Uncertain Significance.

Ambry Genetics
Classification: Likely benign for Hereditary cancer-predisposing syndrome. Last evaluated: 2025-05-09. Review status: criteria provided, single submitter. Criteria: Ambry Variant Classification Scheme 2023. Collection method: clinical testing. Allele origin: germline.

Baylor Genetics
Classification: Uncertain significance for BAP1-related tumor predisposition syndrome. Last evaluated: 2023-06-26. Review status: criteria provided, single submitter. Criteria: ACMG Guidelines, 2015. Collection method: clinical testing. Allele origin: unknown.

Color Diagnostics, LLC DBA Color Health
Classification: Uncertain significance for Hereditary cancer-predisposing syndrome. Last evaluated: 2019-03-18. Review status: criteria provided, single submitter. Criteria: ACMG Guidelines, 2015. Collection method: clinical testing. Allele origin: germline.

Literature cited by the submitters: PubMed 38969833 (cited by Ambry Genetics).

NM_004656.4(BAP1):c.1214_1225del (p.Glu405_Asp408del)

Gene: BAP1 (BRCA1 associated deubiquitinase 1; minus strand). Cytogenetic location: 3p21.1.
Variant type: Deletion.
Coding change: c.1214_1225del on transcript NM_004656.4 (MANE Select); coding-DNA positions 1214 to 1225, 12 bases deleted (AGGAGGATGACG).
Protein change: p.Glu405_Asp408del.
Molecular consequence: inframe deletion.
Genome position (GRCh38, 1-based): chr3:52,404,478-52,404,489, CGTCATCCTCCT deleted on the plus strand (AGGAGGATGACG on the coding strand, the reverse complement: BAP1 is on the minus strand); deleting any 12 consecutive bases within chr3:52,404,478-52,404,499 gives the same sequence; the c. name uses the placement nearest the transcript's 3' end. VCF-style (leftmost placement, unchanged base first): chr3-52404477-ACGTCATCCTCCT-A. GRCh37 (hg19) VCF-style: chr3-52438493-ACGTCATCCTCCT-A.
Identifiers: ClinVar variation 472662 (VCV000472662.15), dbSNP rs1553645109, ClinGen allele CA658657308.